The following is an entry in ClinVar:

ClinVar aggregate classification (germline): Uncertain significance. Review status: criteria provided, multiple submitters, no conflicts (2 of 4 stars). 2 submissions from 2 submitters: Uncertain significance (2). Last evaluated 2025-09-27.

Conditions:
Hereditary cancer-predisposing syndrome. Also called: Hereditary neoplastic syndrome; Neoplastic Syndromes, Hereditary; Tumor predisposition; Hereditary Cancer Syndrome. Identifiers: Orphanet 140162, MedGen C0027672, MeSH D009386, MONDO:0015356.
Juvenile polyposis syndrome (JPS). Identifiers: Orphanet 2929, MedGen C0345893, MONDO:0017380, OMIM 174900.

Submissions (2):

Labcorp Genetics (formerly Invitae), Labcorp
Classification: Uncertain significance for Juvenile polyposis syndrome. Last evaluated: 2025-09-27. Review status: criteria provided, single submitter. Criteria: Invitae Variant Classification Sherloc (09022015). Collection method: clinical testing. Allele origin: germline.
Comment: This sequence change replaces lysine, which is basic and polar, with glutamic acid, which is acidic and polar, at codon 333 of the BMPR1A protein (p.Lys333Glu). This variant is not present in population databases (gnomAD no frequency). This variant has not been reported in the literature in individuals affected with BMPR1A-related conditions. ClinVar contains an entry for this variant (Variation ID: 2799695). Invitae Evidence Modeling of protein sequence and biophysical properties (such as structural, functional, and spatial information, amino acid conservation, physicochemical variation, residue mobility, and thermodynamic stability) has been performed for this missense variant. However, the output from this modeling did not meet the statistical confidence thresholds required to predict the impact of this variant on BMPR1A protein function. In summary, the available evidence is currently insufficient to determine the role of this variant in disease. Therefore, it has been classified as a Variant of Uncertain Significance.

Ambry Genetics
Classification: Uncertain significance for Hereditary cancer-predisposing syndrome. Last evaluated: 2025-06-07. Review status: criteria provided, single submitter. Criteria: Ambry Variant Classification Scheme 2023. Collection method: clinical testing. Allele origin: germline.
Comment: The p.K333E variant (also known as c.997A>G), located in coding exon 8 of the BMPR1A gene, results from an A to G substitution at nucleotide position 997. The lysine at codon 333 is replaced by glutamic acid, an amino acid with similar properties. This amino acid position is conserved. In addition, this alteration is predicted to be tolerated by in silico analysis. Based on the available evidence, the clinical significance of this variant remains unclear.

NM_004329.3(BMPR1A):c.997A>G (p.Lys333Glu)

Gene: BMPR1A (bone morphogenetic protein receptor type 1A; plus strand). Cytogenetic location: 10q23.2.
Variant type: single nucleotide variant.
Coding change: c.997A>G on transcript NM_004329.3 (MANE Select); coding-DNA position 997, A replaced by G.
Protein change: p.Lys333Glu; replaces lysine 333 with glutamic acid.
Molecular consequence: missense variant. On other transcripts: non-coding transcript variant (3).
Genome position (GRCh38, 1-based): chr10:86,919,300, A>G. VCF-style: chr10-86919300-A-G. GRCh37 (hg19) VCF-style: chr10-88679057-A-G.
Other names: c.1072A>G, p.Lys358Glu (NM_001406559.1); c.1045A>G, p.Lys349Glu (NM_001406560.1); c.997A>G, p.Lys333Glu (NM_001406561.1, NM_001406562.1, NM_001406563.1 and 19 more transcripts); c.991A>G, p.Lys331Glu (NM_001406583.1); c.913A>G, p.Lys305Glu (NM_001406584.1, NM_001406585.1, NM_001406586.1 and 2 more transcripts); c.655A>G, p.Lys219Glu (NM_001406589.1); short protein forms K219E, K349E, K358E, K305E, K333E, K331E.
Identifiers: ClinVar variation 2799695 (VCV002799695.3), dbSNP rs2539620286, ClinGen allele CA377460464.